The following is an entry in ClinVar:

NM_025114.4(CEP290):c.3931C>G (p.His1311Asp)

Gene: CEP290 (centrosomal protein 290; minus strand). Cytogenetic location: 12q21.32.
Variant type: single nucleotide variant.
Coding change: c.3931C>G on transcript NM_025114.4 (MANE Select); coding-DNA position 3931, C replaced by G.
Protein change: p.His1311Asp; replaces histidine 1311 with aspartic acid.
Molecular consequence: missense variant.
Genome position (GRCh38, 1-based): chr12:88,089,130, G>C on the plus strand (C>G on the coding strand, the complement: CEP290 is on the minus strand). VCF-style: chr12-88089130-G-C. GRCh37 (hg19) VCF-style: chr12-88482907-G-C.
Other names: short protein forms H1311D.
Identifiers: ClinVar variation 1722913 (VCV001722913.6), dbSNP rs772060641, ClinGen allele CA6712058.

ClinVar aggregate classification (germline): Uncertain significance. Review status: criteria provided, multiple submitters, no conflicts (2 of 4 stars). 3 submissions from 3 submitters: Uncertain significance (3). Last evaluated 2025-09-02.

Conditions:
Nephronophthisis. Also called: Juvenile Nephronophthisis. Identifiers: Orphanet 655, MedGen C0687120, MONDO:0019005, HP:0000090.
Meckel-Gruber syndrome. Also called: DYSENCEPHALIA SPLANCHNOCYSTICA; GRUBER SYNDROME; Dysencephalia splachnocystica. Identifiers: Orphanet 564, MedGen C0265215, MONDO:0018921.
Joubert syndrome. Also called: CEREBELLOPARENCHYMAL DISORDER IV; JOUBERT-BOLTSHAUSER SYNDROME; Familial aplasia of the vermis. Identifiers: Orphanet 475, MedGen C5979921, MONDO:0018772.
Inborn genetic diseases. Identifiers: MedGen C0950123, MeSH D030342.

Allele frequency attached by ClinVar (database versions not stated): TOPMed below 0.00001; gnomAD 0.00001; ExAC 0.00002.
gnomAD v4.1: 7 of 1,595,804 alleles (0.00044%); highest among the groups gnomAD compares: Non-Finnish European, 0.00034%; no homozygotes.

Submissions (3):

Labcorp Genetics (formerly Invitae), Labcorp
Classification: Uncertain significance for Joubert syndrome; Meckel-Gruber syndrome; Nephronophthisis. Last evaluated: 2025-09-02. Review status: criteria provided, single submitter. Criteria: Invitae Variant Classification Sherloc (09022015). Collection method: clinical testing. Allele origin: germline.
Comment: This sequence change replaces histidine, which is basic and polar, with aspartic acid, which is acidic and polar, at codon 1311 of the CEP290 protein (p.His1311Asp). This variant is present in population databases (rs772060641, gnomAD 0.004%). This variant has not been reported in the literature in individuals affected with CEP290-related conditions. ClinVar contains an entry for this variant (Variation ID: 1722913). Invitae Evidence Modeling of protein sequence and biophysical properties (such as structural, functional, and spatial information, amino acid conservation, physicochemical variation, residue mobility, and thermodynamic stability) indicates that this missense variant is not expected to disrupt CEP290 protein function with a negative predictive value of 80%. In summary, the available evidence is currently insufficient to determine the role of this variant in disease. Therefore, it has been classified as a Variant of Uncertain Significance.

Ambry Genetics
Classification: Uncertain significance for Inborn genetic diseases. Last evaluated: 2025-01-29. Review status: criteria provided, single submitter. Criteria: Ambry Variant Classification Scheme 2023. Collection method: clinical testing. Allele origin: germline.

GeneDx
Classification: Uncertain significance. Last evaluated: 2022-05-06. Review status: criteria provided, single submitter. Criteria: GeneDx Variant Classification Process June 2021. Collection method: clinical testing. Allele origin: germline. Affected: yes.
Comment: Not observed at significant frequency in large population cohorts (gnomAD); In silico analysis supports that this missense variant does not alter protein structure/function; Has not been previously published as pathogenic or benign to our knowledge